The following is an entry in ClinVar:

ClinVar aggregate classification (germline): Uncertain significance (1 of 4 stars; one submission).

Conditions:
Epidermolysis bullosa simplex 3, localized or generalized intermediate, with BP230 deficiency (EBS3). Also called: Epidermolysis bullosa simplex due to BP230 deficiency; Epidermolysis bullosa simplex, autosomal recessive 2. Identifiers: Orphanet 412181, MedGen C3809470, MONDO:0014180, OMIM 615425.
Hereditary sensory and autonomic neuropathy type 6. Also called: HSAN VI; Neuropathy, hereditary sensory and autonomic, type VI. Identifiers: Orphanet 314381, MedGen C3539003, MONDO:0013839, OMIM 614653.

Submission:

Labcorp Genetics (formerly Invitae), Labcorp
Classification: Uncertain significance for Epidermolysis bullosa simplex 3, localized or generalized intermediate, with BP230 deficiency; Hereditary sensory and autonomic neuropathy type 6. Last evaluated: 2023-10-03. Review status: criteria provided, single submitter. Criteria: Invitae Variant Classification Sherloc (09022015). Collection method: clinical testing. Allele origin: germline.
Comment: This sequence change replaces histidine, which is basic and polar, with leucine, which is neutral and non-polar, at codon 35 of the DST protein (p.His35Leu). This variant is not present in population databases (gnomAD no frequency). This variant has not been reported in the literature in individuals affected with DST-related conditions. ClinVar contains an entry for this variant (Variation ID: 855710). An algorithm developed to predict the effect of missense changes on protein structure and function (PolyPhen-2) suggests that this variant is likely to be tolerated. In summary, the available evidence is currently insufficient to determine the role of this variant in disease. Therefore, it has been classified as a Variant of Uncertain Significance.

NM_001723.7(DST):c.104A>T (p.His35Leu)

Gene: DST (dystonin; minus strand). Cytogenetic location: 6p12.1.
Variant type: single nucleotide variant.
Coding change: c.104A>T on transcript NM_001723.7 (MANE Plus Clinical); coding-DNA position 104, A replaced by T.
Protein change: p.His35Leu; replaces histidine 35 with leucine.
Molecular consequence: missense variant. On other transcripts: intron variant (9).
Genome position (GRCh38, 1-based): chr6:56,642,685, T>A on the plus strand (A>T on the coding strand, the complement: DST is on the minus strand). VCF-style: chr6-56642685-T-A. GRCh37 (hg19) VCF-style: chr6-56507483-T-A.
Other names: c.104A>T, p.His35Leu (NM_015548.5); c.1680-182A>T (NM_001144769.5); c.1779-182A>T (NM_001374722.1, NM_001374736.1); c.1806-182A>T (NM_001374734.1); c.1266-182A>T (NM_001144770.2); c.1146-182A>T (NM_001374730.1, NM_001386100.1, NM_183380.4 and 1 more transcripts); short protein forms H35L.
Identifiers: ClinVar variation 855710 (VCV000855710.10), dbSNP rs1380710273, ClinGen allele CA364615535.